The following is an entry in ClinVar:

ClinVar aggregate classification (germline): Uncertain significance. Review status: criteria provided, multiple submitters, no conflicts (2 of 4 stars). 2 submissions from 2 submitters: Uncertain significance (2). Last evaluated 2025-06-12.

Conditions:
Hereditary cancer-predisposing syndrome. Also called: Hereditary Cancer Syndrome; Tumor predisposition; Neoplastic Syndromes, Hereditary; Hereditary neoplastic syndrome. Identifiers: Orphanet 140162, MedGen C0027672, MeSH D009386, MONDO:0015356.
EGFR-related lung cancer (EGFR). Identifiers: MedGen CN130014.

Submissions (2):

Ambry Genetics
Classification: Uncertain significance for Hereditary cancer-predisposing syndrome. Last evaluated: 2025-06-12. Review status: criteria provided, single submitter. Criteria: Ambry Variant Classification Scheme 2023. Collection method: clinical testing. Allele origin: germline.
Comment: The p.T384I variant (also known as c.1151C>T), located in coding exon 10 of the EGFR gene, results from a C to T substitution at nucleotide position 1151. The threonine at codon 384 is replaced by isoleucine, an amino acid with similar properties. This amino acid position is well conserved in available vertebrate species. In addition, the in silico prediction for this alteration is inconclusive. Based on the available evidence, the clinical significance of this variant remains unclear.

Labcorp Genetics (formerly Invitae), Labcorp
Classification: Uncertain significance for EGFR-related lung cancer. Last evaluated: 2022-03-01. Review status: criteria provided, single submitter. Criteria: Invitae Variant Classification Sherloc (09022015). Collection method: clinical testing. Allele origin: germline.
Comment: This variant is not present in population databases (gnomAD no frequency). This sequence change replaces threonine, which is neutral and polar, with isoleucine, which is neutral and non-polar, at codon 384 of the EGFR protein (p.Thr384Ile). This variant has not been reported in the literature in individuals affected with EGFR-related conditions. Algorithms developed to predict the effect of missense changes on protein structure and function are either unavailable or do not agree on the potential impact of this missense change (SIFT: "Tolerated"; PolyPhen-2: "Possibly Damaging"; Align-GVGD: "Class C0"). In summary, the available evidence is currently insufficient to determine the role of this variant in disease. Therefore, it has been classified as a Variant of Uncertain Significance.

NM_005228.5(EGFR):c.1151C>T (p.Thr384Ile)

Genes: EGFR (epidermal growth factor receptor; plus strand), LOC126860048 (P300/CBP strongly-dependent group 1 enhancer GRCh37_chr7:55223847-55225046; plus strand). Cytogenetic location: 7p11.2.
Variant type: single nucleotide variant.
Coding change: c.1151C>T on transcript NM_005228.5 (MANE Select); coding-DNA position 1151, C replaced by T.
Protein change: p.Thr384Ile; replaces threonine 384 with isoleucine.
Molecular consequence: missense variant.
Genome position (GRCh38, 1-based): chr7:55,156,776, C>T. VCF-style: chr7-55156776-C-T. GRCh37 (hg19) VCF-style: chr7-55224469-C-T.
Other names: c.1016C>T, p.Thr339Ile (NM_001346897.2, NM_001346899.2); c.1151C>T, p.Thr384Ile (NM_001346898.2, NM_201282.2, NM_201283.2 and 1 more transcripts); c.992C>T, p.Thr331Ile (NM_001346900.2); c.350C>T, p.Thr117Ile (NM_001346941.2); short protein forms T117I, T339I, T331I, T384I.
Identifiers: ClinVar variation 2105110 (VCV002105110.5), dbSNP rs2128938691, ClinGen allele CA367578560.